The following is an entry in ClinVar:

ClinVar aggregate classification (germline): Uncertain significance. Review status: criteria provided, multiple submitters, no conflicts (2 of 4 stars). 2 submissions from 2 submitters: Uncertain significance (2). Last evaluated 2026-08-14.

Conditions:
POLD1-related polyposis and colorectal cancer syndrome (CRCS10). Also called: Colorectal cancer 10; Colorectal cancer, susceptibility to, 10; COLORECTAL CANCER, SUSCEPTIBILITY TO, ON CHROMOSOME 19q. Identifiers: Orphanet 220460, MedGen C2675481, MONDO:0012953, OMIM 612591.
Hereditary cancer-predisposing syndrome. Also called: Hereditary Cancer Syndrome; Tumor predisposition; Hereditary neoplastic syndrome; Neoplastic Syndromes, Hereditary. Identifiers: Orphanet 140162, MedGen C0027672, MeSH D009386, MONDO:0015356.

gnomAD v4.1: 2 of 1,554,082 alleles (0.00013%); highest among the groups gnomAD compares: Middle Eastern, 0.035%; 1 homozygote.

Submissions (2):

Ambry Genetics
Classification: Uncertain significance for Hereditary cancer-predisposing syndrome. Last evaluated: 2026-08-14. Review status: criteria provided, single submitter. Criteria: Ambry Variant Classification Scheme 2023. Collection method: clinical testing. Allele origin: germline.
Comment: The p.R1032L variant (also known as c.3095G>T), located in coding exon 24 of the POLD1 gene, results from a G to T substitution at nucleotide position 3095. The arginine at codon 1032 is replaced by leucine, an amino acid with dissimilar properties. This amino acid position is conserved. In addition, this alteration is predicted to be tolerated by in silico analysis. Based on the available evidence, the clinical significance of this variant remains unclear.

Labcorp Genetics (formerly Invitae), Labcorp
Classification: Uncertain significance for POLD1-related polyposis and colorectal cancer syndrome. Last evaluated: 2021-08-17. Review status: criteria provided, single submitter. Criteria: Invitae Variant Classification Sherloc (09022015). Collection method: clinical testing. Allele origin: germline.
Comment: This sequence change replaces arginine with leucine at codon 1032 of the POLD1 protein (p.Arg1032Leu). The arginine residue is moderately conserved and there is a moderate physicochemical difference between arginine and leucine. This variant is not present in population databases (ExAC no frequency). This variant has not been reported in the literature in individuals with POLD1-related disease. Algorithms developed to predict the effect of missense changes on protein structure and function do not agree on the potential impact of this missense change (SIFT: "Deleterious"; PolyPhen-2: "Benign"; Align-GVGD: "Class C0"). In summary, the available evidence is currently insufficient to determine the role of this variant in disease. Therefore, it has been classified as a Variant of Uncertain Significance.

NM_002691.4(POLD1):c.3095G>T (p.Arg1032Leu)

Gene: POLD1 (DNA polymerase delta 1, catalytic subunit; plus strand). Cytogenetic location: 19q13.33.
Variant type: single nucleotide variant.
Coding change: c.3095G>T on transcript NM_002691.4 (MANE Select); coding-DNA position 3095, G replaced by T.
Protein change: p.Arg1032Leu; replaces arginine 1032 with leucine.
Molecular consequence: missense variant. On other transcripts: non-coding transcript variant (1).
Genome position (GRCh38, 1-based): chr19:50,417,072, G>T. VCF-style: chr19-50417072-G-T. GRCh37 (hg19) VCF-style: chr19-50920329-G-T.
Other names: c.3095G>T (NM_002691.2); c.3095G>T, p.Arg1032Leu (NM_001256849.1); c.3173G>T, p.Arg1058Leu (NM_001308632.1); short protein forms R1058L, R1032L.
Identifiers: ClinVar variation 537041 (VCV000537041.9), dbSNP rs763951036, ClinGen allele CA406987117.